The following is an entry in ClinVar:

NM_004752.4(GCM2):c.764T>G (p.Met255Arg)

Gene: GCM2 (glial cells missing transcription factor 2; minus strand). Cytogenetic location: 6p24.2.
Variant type: single nucleotide variant.
Coding change: c.764T>G on transcript NM_004752.4 (MANE Select); coding-DNA position 764, T replaced by G.
Protein change: p.Met255Arg; replaces methionine 255 with arginine.
Molecular consequence: missense variant.
Genome position (GRCh38, 1-based): chr6:10,874,752, A>C on the plus strand (T>G on the coding strand, the complement: GCM2 is on the minus strand). VCF-style: chr6-10874752-A-C. GRCh37 (hg19) VCF-style: chr6-10874985-A-C.
Other names: short protein forms M255R.
Identifiers: ClinVar variation 2581314 (VCV002581314.1), dbSNP rs2532749519, ClinGen allele CA362723530.

ClinVar aggregate classification (germline): Uncertain significance (1 of 4 stars; one submission).

gnomAD v4.1: 1 of 1,614,066 alleles (0.000062%); highest among the groups gnomAD compares: South Asian, 0.0011%; no homozygotes.

Submission:

Women's Health and Genetics/Laboratory Corporation of America, LabCorp
Classification: Uncertain significance. Last evaluated: 2023-08-23. Review status: criteria provided, single submitter. Criteria: LabCorp Variant Classification Summary - May 2015. Collection method: clinical testing. Allele origin: germline.
Comment: Variant summary: GCM2 c.764T>G (p.Met255Arg) results in a non-conservative amino acid change in the encoded protein sequence. Four of five in-silico tools predict a benign effect of the variant on protein function. The variant was absent in 251426 control chromosomes. The available data on variant occurrences in the general population are insufficient to allow any conclusion about variant significance. To our knowledge, no occurrence of c.764T>G in individuals affected with Familial Hypoparathyroidism and no experimental evidence demonstrating its impact on protein function have been reported. No submitters have cited clinical-significance assessments for this variant to ClinVar after 2014. Based on the evidence outlined above, the variant was classified as uncertain significance.